The following is an entry in ClinVar:

ClinVar aggregate classification (germline): Uncertain significance (1 of 4 stars; one submission).

Conditions:
Carnitine palmitoyl transferase 1A deficiency. Also called: CPT I DEFICIENCY; CPT DEFICIENCY, HEPATIC, TYPE I; Carnitine palmitoyltransferase 1A deficiency; Carnitine palmitoyltransferase type I deficiency; CPT deficiency, hepatic, type IA. Identifiers: Orphanet 156, MedGen C1829703, MONDO:0009705, OMIM 255120.

Allele frequency attached by ClinVar (database versions not stated): gnomAD exomes 0.00001; TOPMed 0.00001; ExAC 0.00002.

Submission:

Labcorp Genetics (formerly Invitae), Labcorp
Classification: Uncertain significance for Carnitine palmitoyl transferase 1A deficiency. Last evaluated: 2022-04-20. Review status: criteria provided, single submitter. Criteria: Invitae Variant Classification Sherloc (09022015). Collection method: clinical testing. Allele origin: germline.
Comment: This sequence change replaces valine, which is neutral and non-polar, with methionine, which is neutral and non-polar, at codon 65 of the CPT1A protein (p.Val65Met). This variant is present in population databases (rs761546553, gnomAD 0.003%). This variant has not been reported in the literature in individuals affected with CPT1A-related conditions. Algorithms developed to predict the effect of missense changes on protein structure and function are either unavailable or do not agree on the potential impact of this missense change (SIFT: "Deleterious"; PolyPhen-2: "Possibly Damaging"; Align-GVGD: "Class C0"). In summary, the available evidence is currently insufficient to determine the role of this variant in disease. Therefore, it has been classified as a Variant of Uncertain Significance.

NM_001876.4(CPT1A):c.193G>A (p.Val65Met)

Gene: CPT1A (carnitine palmitoyltransferase 1A; minus strand). Cytogenetic location: 11q13.3.
Variant type: single nucleotide variant.
Coding change: c.193G>A on transcript NM_001876.4 (MANE Select); coding-DNA position 193, G replaced by A.
Protein change: p.Val65Met; replaces valine 65 with methionine.
Molecular consequence: missense variant.
Genome position (GRCh38, 1-based): chr11:68,812,525, C>T on the plus strand (G>A on the coding strand, the complement: CPT1A is on the minus strand). VCF-style: chr11-68812525-C-T. GRCh37 (hg19) VCF-style: chr11-68579993-C-T.
Other names: c.193G>A, p.Val65Met (NM_001031847.3); short protein forms V65M.
Identifiers: ClinVar variation 2167136 (VCV002167136.1), dbSNP rs761546553, ClinGen allele CA6152750.